The following is an entry in ClinVar:

NM_138425.4(C12orf57):c.53-2A>G

Gene: C12orf57 (chromosome 12 open reading frame 57; plus strand). Cytogenetic location: 12p13.31.
Variant type: single nucleotide variant.
Coding change: c.53-2A>G on transcript NM_138425.4 (MANE Select); the canonical splice acceptor site of the intron before coding-DNA position 53, A replaced by G.
Molecular consequence: splice acceptor variant. On other transcripts: 5 prime UTR variant (1), non-coding transcript variant (1).
Genome position (GRCh38, 1-based): chr12:6,944,474, A>G. VCF-style: chr12-6944474-A-G. GRCh37 (hg19) VCF-style: chr12-7053637-A-G.
Other names: c.-55A>G (NM_001301838.2); c.14-2A>G (NM_001301836.2); c.53-2A>G (NM_001301834.1, NM_001301837.2).
Identifiers: ClinVar variation 242885 (VCV000242885.5), dbSNP rs1114167293, ClinGen allele CA383744288.
Genomic context (GRCh38, chr12:6,944,474, plus strand): 5'-GCCCGCTGTCTGTTCTCCGACGCCTACCCGGGACGCCTCCCTGGGATGCTTCTGGCGCGC[A>G]GTGGTCCTCGCGGAGGTGATCCAGGCGTTCTCCGCCCCGGAGAATGCAGTGCGCATGGAC-3'

ClinVar aggregate classification (germline): Pathogenic. Review status: criteria provided, multiple submitters, no conflicts (2 of 4 stars). 4 submissions from 4 submitters: Pathogenic (2). 2 of the submissions do not count toward it. Last evaluated 2024-03-17.

Conditions:
Vesicoureteral reflux (VUR). Also called: Vesicoureteric reflux; Vesico-Ureteral Reflux. Identifiers: MedGen C0042580, MONDO:0006007, HP:0000076.
Global developmental delay (DD). Also called: Cognitive delay. Identifiers: MedGen C0557874, HP:0001263. Disease mechanism: loss of function.
Renal atrophy. Identifiers: MedGen C0341698, HP:0012585.
Hydronephrosis. Identifiers: MedGen C0020295, MONDO:0005510, HP:0000126.
Attention deficit hyperactivity disorder (ADHD). Also called: Attention-Deficit/Hyperactivity Disorder. Identifiers: MedGen C1263846, MONDO:0007743, HP:0007018.
Intellectual disability. Also called: Intellectual functioning disability; intellectual disabilities; Intellectual developmental disorder. Identifiers: MedGen C3714756, MeSH D008607, MONDO:0001071, HP:0001249.
Temtamy syndrome (TEMTYS). Also called: MENTAL RETARDATION WITH OR WITHOUT CRANIOFACIAL DYSMORPHISM, OCULAR COLOBOMA, OR ABNORMAL CORPUS CALLOSUM. Identifiers: Orphanet 1777, MedGen C1857512, MONDO:0009033, OMIM 218340.

Allele frequency attached by ClinVar (database versions not stated): gnomAD exomes below 0.00001.
gnomAD v4.1: 1 of 1,611,580 alleles (0.000062%); no homozygotes.

Submissions (4):

Genomic Medicine Center of Excellence, King Faisal Specialist Hospital and Research Centre
Classification: Pathogenic for Temtamy syndrome. Last evaluated: 2024-03-17. Review status: criteria provided, single submitter. Criteria: ACMG Guidelines, 2015. Collection method: research. Allele origin: germline.

Baylor Genetics
Classification: Pathogenic for Temtamy syndrome. Last evaluated: 2019-12-10. Review status: criteria provided, single submitter. Criteria: ACMG Guidelines, 2015. Collection method: clinical testing. Allele origin: unknown. Affected: yes.
Comment: This variant was determined to be pathogenic according to ACMG Guidelines, 2015 [PMID:25741868].

Biochemical Molecular Genetic Laboratory, King Abdulaziz Medical City
Classification: Pathogenic for Temtamy syndrome. Last evaluated: 2019-09-26. Review status: no assertion criteria provided. Collection method: clinical testing. Allele origin: germline. Affected: yes. Not counted in ClinVar's aggregate classification.

Lupski Lab, Baylor-Hopkins CMG, Baylor College of Medicine
Classification: Pathogenic for Global developmental delay; Intellectual disability; Attention deficit hyperactivity disorder; Hydronephrosis; Vesicoureteral reflux; Renal atrophy. Last evaluated: 2016-01-10. Review status: no assertion criteria provided. Collection method: research. Allele origin: inherited. Inheritance: Autosomal recessive inheritance. Affected: yes. Observed: 1 variant allele, 1 homozygote. Study: The combination of WES, CNV-derived from WES, paralog studies, and GeneMatcher provide potential molecular diagnosis in a cohort from Saudi Arabia. Not counted in ClinVar's aggregate classification.